The following is an entry in ClinVar:

ClinVar aggregate classification (germline): Likely benign (0 of 4 stars; one submission).

Conditions:
APC2-related disorder. Also called: APC2-related condition; APC2-Related Disorders.

Allele frequency attached by ClinVar (database versions not stated): gnomAD exomes below 0.00001.
gnomAD v4.1: 3 of 1,583,454 alleles (0.00019%); highest among the groups gnomAD compares: Non-Finnish European, 0.00026%; no homozygotes.

Submission:

PreventionGenetics, part of Exact Sciences
Classification: Likely benign for APC2-related condition. Last evaluated: 2021-08-27. Review status: no assertion criteria provided. Collection method: clinical testing. Allele origin: germline.
Comment: This variant is classified as likely benign based on ACMG/AMP sequence variant interpretation guidelines (Richards et al. 2015 PMID: 25741868, with internal and published modifications).

NM_005883.3(APC2):c.471T>G (p.Ser157=)

Gene: APC2 (APC regulator of Wnt signaling pathway 2; plus strand). Cytogenetic location: 19p13.3.
Variant type: single nucleotide variant.
Coding change: c.471T>G on transcript NM_005883.3 (MANE Select); coding-DNA position 471, T replaced by G.
Protein change: p.Ser157=; no amino-acid change (serine 157 retained).
Molecular consequence: synonymous variant.
Genome position (GRCh38, 1-based): chr19:1,455,206, T>G. VCF-style: chr19-1455206-T-G. GRCh37 (hg19) VCF-style: chr19-1455205-T-G.
Other names: c.471T>G, p.Ser157= (NM_001351273.1).
Identifiers: ClinVar variation 3056888 (VCV003056888.2), dbSNP rs1236997369, ClinGen allele CA504719266.